The following is an entry in ClinVar:

NM_001378418.1(TCF20):c.3967C>T (p.Pro1323Ser)

Gene: TCF20 (transcription factor 20; minus strand). Cytogenetic location: 22q13.2.
Variant type: single nucleotide variant.
Coding change: c.3967C>T on transcript NM_001378418.1 (MANE Select); coding-DNA position 3967, C replaced by T.
Protein change: p.Pro1323Ser; replaces proline 1323 with serine.
Molecular consequence: missense variant.
Genome position (GRCh38, 1-based): chr22:42,211,339, G>A on the plus strand (C>T on the coding strand, the complement: TCF20 is on the minus strand). VCF-style: chr22-42211339-G-A. GRCh37 (hg19) VCF-style: chr22-42607345-G-A.
Other names: c.3967C>T, p.Pro1323Ser (NM_005650.4, NM_181492.3); short protein forms P1323S.
Identifiers: ClinVar variation 1030004 (VCV001030004.5), dbSNP rs1663993530, ClinGen allele CA411785327.

ClinVar aggregate classification (germline): Uncertain significance. Review status: criteria provided, multiple submitters, no conflicts (2 of 4 stars). 2 submissions from 2 submitters: Uncertain significance (2). Last evaluated 2022-07-13.

Conditions:
Developmental delay with variable intellectual impairment and behavioral abnormalities. Identifiers: MedGen C5193092, MONDO:0032745, OMIM 618430.

Allele frequency attached by ClinVar (database versions not stated): gnomAD exomes below 0.00001.
gnomAD v4.1: 2 of 1,614,156 alleles (0.00012%); highest among the groups gnomAD compares: African/African-American, 0.0013%; no homozygotes.

Submissions (2):

Labcorp Genetics (formerly Invitae), Labcorp
Classification: Uncertain significance. Last evaluated: 2022-07-13. Review status: criteria provided, single submitter. Criteria: Invitae Variant Classification Sherloc (09022015). Collection method: clinical testing. Allele origin: germline.
Comment: This variant is not present in population databases (gnomAD no frequency). In summary, the available evidence is currently insufficient to determine the role of this variant in disease. Therefore, it has been classified as a Variant of Uncertain Significance. Algorithms developed to predict the effect of missense changes on protein structure and function output the following: SIFT: "Tolerated"; PolyPhen-2: "Benign"; Align-GVGD: "Class C0". The serine amino acid residue is found in multiple mammalian species, which suggests that this missense change does not adversely affect protein function. ClinVar contains an entry for this variant (Variation ID: 1030004). This variant has not been reported in the literature in individuals affected with TCF20-related conditions. This sequence change replaces proline, which is neutral and non-polar, with serine, which is neutral and polar, at codon 1323 of the TCF20 protein (p.Pro1323Ser).

Baylor Genetics
Classification: Uncertain significance for Developmental delay with variable intellectual impairment and behavioral abnormalities. Last evaluated: 2020-10-26. Review status: criteria provided, single submitter. Criteria: ACMG Guidelines, 2015. Collection method: clinical testing. Allele origin: unknown. Affected: yes.
Comment: This variant was determined to be of uncertain significance according to ACMG Guidelines, 2015 [PMID:25741868].